The following is an entry in ClinVar:

ClinVar aggregate classification (germline): Likely benign (1 of 4 stars; one submission).

Allele frequency attached by ClinVar (database versions not stated): gnomAD 0.00674 and 0.00713; TOPMed 0.00763; 1000 Genomes Project 0.01058; 1000 Genomes Project 30x 0.01171.
gnomAD v4.1: 1,694 of 1,156,826 alleles (0.15%); highest among the groups gnomAD compares: African/African-American, 2.4%; 16 homozygotes.

Submission:

GeneDx
Classification: Likely benign. Last evaluated: 2021-09-11. Review status: criteria provided, single submitter. Criteria: GeneDx Variant Classification Process June 2021. Collection method: clinical testing. Allele origin: germline. Affected: yes.
Comment: See Variant Classification Assertion Criteria.

NM_001374736.1(DST):c.19740+110A>G

Gene: DST (dystonin; minus strand). Cytogenetic location: 6p12.1.
Variant type: single nucleotide variant.
Coding change: c.19740+110A>G on transcript NM_001374736.1 (MANE Select); 110 bases into the intron after coding-DNA position 19740, A replaced by G.
Molecular consequence: intron variant.
Genome position (GRCh38, 1-based): chr6:56,501,410, T>C on the plus strand (A>G on the coding strand, the complement: DST is on the minus strand). VCF-style: chr6-56501410-T-C. GRCh37 (hg19) VCF-style: chr6-56366208-T-C.
Other names: c.13383+110A>G (NM_001144769.5); c.19740+110A>G (NM_001374722.1); c.19767+110A>G (NM_001374734.1); c.12969+110A>G (NM_001144770.2); c.12522+110A>G (NM_001374730.1); c.12849+110A>G (NM_001386100.1, NM_183380.4); c.18780+110A>G (NM_001374729.1); c.11871+110A>G (NM_015548.5).
Identifiers: ClinVar variation 1693019 (VCV001693019.2), dbSNP rs114906986, ClinGen allele CA139193193.